The following is an entry in ClinVar:

NM_004385.5(VCAN):c.3006A>C (p.Gln1002His)

Gene: VCAN (versican; plus strand). Cytogenetic location: 5q14.3.
Variant type: single nucleotide variant.
Coding change: c.3006A>C on transcript NM_004385.5 (MANE Select); coding-DNA position 3006, A replaced by C.
Protein change: p.Gln1002His; replaces glutamine 1002 with histidine.
Molecular consequence: missense variant. On other transcripts: intron variant (2).
Genome position (GRCh38, 1-based): chr5:83,521,312, A>C. VCF-style: chr5-83521312-A-C. GRCh37 (hg19) VCF-style: chr5-82817131-A-C.
Other names: c.3006A>C, p.Gln1002His (NM_001164098.2); c.1042+8916A>C (NM_001164097.2, NM_001126336.3); short protein forms Q1002H.
Identifiers: ClinVar variation 3650626 (VCV003650626.2).
Genomic context (GRCh38, chr5:83,521,312, plus strand): 5'-CTGGGGAGTGTTAGTACCTTCTGTTCCATCAGAAGATGAAGTTCTAGGTGAACCCTCTCA[A>C]GACATACTTGTCATTGATCAGACTCGCCTTGAAGCGACTATTTCTCCAGAAACTATGAGA-3'
Protein context (NP_004376.2, residues 992-1012): SEDEVLGEPS[Gln1002His]DILVIDQTRL

ClinVar aggregate classification (germline): Uncertain significance (1 of 4 stars; one submission).

Submission:

Labcorp Genetics (formerly Invitae), Labcorp
Classification: Uncertain significance. Last evaluated: 2024-04-22. Review status: criteria provided, single submitter. Criteria: Invitae Variant Classification Sherloc (09022015). Collection method: clinical testing. Allele origin: germline.
Comment: This sequence change replaces glutamine, which is neutral and polar, with histidine, which is basic and polar, at codon 1002 of the VCAN protein (p.Gln1002His). This variant is not present in population databases (gnomAD no frequency). This variant has not been reported in the literature in individuals affected with VCAN-related conditions. An algorithm developed to predict the effect of missense changes on protein structure and function (PolyPhen-2) suggests that this variant is likely to be disruptive. In summary, the available evidence is currently insufficient to determine the role of this variant in disease. Therefore, it has been classified as a Variant of Uncertain Significance.